The following is an entry in ClinVar:

NM_001162501.2(TNRC6B):c.2328G>T (p.Gly776=)

Gene: TNRC6B (trinucleotide repeat containing adaptor 6B; plus strand). Cytogenetic location: 22q13.1.
Variant type: single nucleotide variant.
Coding change: c.2328G>T on transcript NM_001162501.2 (MANE Select); coding-DNA position 2328, G replaced by T.
Protein change: p.Gly776=; no amino-acid change (glycine 776 retained).
Molecular consequence: synonymous variant. On other transcripts: intron variant (1).
Genome position (GRCh38, 1-based): chr22:40,266,558, G>T. VCF-style: chr22-40266558-G-T. GRCh37 (hg19) VCF-style: chr22-40662562-G-T.
Other names: c.2328G>T, p.Gly776= (NM_015088.3); c.566-3564G>T (NM_001024843.2).
Identifiers: ClinVar variation 3896433 (VCV003896433.2).

ClinVar aggregate classification (germline): Uncertain significance (1 of 4 stars; one submission).

gnomAD v4.1: 1 of 1,613,576 alleles (0.000062%); highest among the groups gnomAD compares: Non-Finnish European, 0.000085%; no homozygotes.

Submission:

Women's Health and Genetics/Laboratory Corporation of America, LabCorp
Classification: Uncertain significance. Last evaluated: 2025-04-08. Review status: criteria provided, single submitter. Criteria: LabCorp Variant Classification Summary - May 2015. Collection method: clinical testing. Allele origin: germline.
Comment: Variant summary: TNRC6B c.2328G>T alters a conserved nucleotide resulting in a synonymous change. Several computational tools predict a significant impact on normal splicing: Two predict the variant creates a 5' donor site. However, these predictions have yet to be confirmed by functional studies. The variant was absent in 248796 control chromosomes. The available data on variant occurrences in the general population are insufficient to allow any conclusion about variant significance. To our knowledge, no occurrence of c.2328G>T in individuals affected with Global Developmental Delay With Speech And Behavioral Abnormalities and no experimental evidence demonstrating its impact on protein function have been reported. No submitters have cited clinical-significance assessments for this variant to ClinVar. Based on the evidence outlined above, the variant was classified as uncertain significance.